The following is an entry in ClinVar:

NM_005896.4(IDH1):c.194A>G (p.Lys65Arg)

Gene: IDH1 (isocitrate dehydrogenase (NADP(+)) 1; minus strand). Cytogenetic location: 2q34.
Variant type: single nucleotide variant.
Coding change: c.194A>G on transcript NM_005896.4 (MANE Select); coding-DNA position 194, A replaced by G.
Protein change: p.Lys65Arg; replaces lysine 65 with arginine.
Molecular consequence: missense variant.
Genome position (GRCh38, 1-based): chr2:208,248,589, T>C on the plus strand (A>G on the coding strand, the complement: IDH1 is on the minus strand). VCF-style: chr2-208248589-T-C. GRCh37 (hg19) VCF-style: chr2-209113313-T-C.
Other names: c.194A>G, p.Lys65Arg (NM_001282386.1, NM_001282387.1); short protein forms K65R.
Identifiers: ClinVar variation 2624910 (VCV002624910.2), dbSNP rs2124863729, ClinGen allele CA350102406.

ClinVar aggregate classification (germline): Uncertain significance (1 of 4 stars; one submission).

Submission:

Ambry Genetics
Classification: Uncertain significance. Last evaluated: 2023-07-19. Review status: criteria provided, single submitter. Criteria: Ambry Variant Classification Scheme 2023. Collection method: clinical testing. Allele origin: germline.
Comment: The p.K65R variant (also known as c.194A>G), located in coding exon 2 of the IDH1 gene, results from an A to G substitution at nucleotide position 194. The lysine at codon 65 is replaced by arginine, an amino acid with highly similar properties. This amino acid position is conserved. In addition, this alteration is predicted to be tolerated by in silico analysis. Since supporting evidence is limited at this time, the clinical significance of this alteration remains unclear.